The following is an entry in ClinVar:

NM_032888.4(COL27A1):c.3419T>C (p.Ile1140Thr)

Gene: COL27A1 (collagen type XXVII alpha 1 chain; plus strand). Cytogenetic location: 9q32.
Variant type: single nucleotide variant.
Coding change: c.3419T>C on transcript NM_032888.4 (MANE Select); coding-DNA position 3419, T replaced by C.
Protein change: p.Ile1140Thr; replaces isoleucine 1140 with threonine.
Molecular consequence: missense variant.
Genome position (GRCh38, 1-based): chr9:114,266,590, T>C. VCF-style: chr9-114266590-T-C. GRCh37 (hg19) VCF-style: chr9-117028870-T-C.
Other names: short protein forms I1140T.
Identifiers: ClinVar variation 2200207 (VCV002200207.2), dbSNP rs201515085, ClinGen allele CA5202479.

ClinVar aggregate classification (germline): Uncertain significance (1 of 4 stars; one submission).

Allele frequency attached by ClinVar (database versions not stated): gnomAD 0.00001; gnomAD exomes 0.00001; TOPMed 0.00001; ExAC 0.00002; 1000 Genomes Project 30x 0.00016; 1000 Genomes Project 0.00020.
gnomAD v4.1: 17 of 1,613,776 alleles (0.0011%); highest among the groups gnomAD compares: Middle Eastern, 0.033%; no homozygotes.

Submission:

Labcorp Genetics (formerly Invitae), Labcorp
Classification: Uncertain significance. Last evaluated: 2025-08-18. Review status: criteria provided, single submitter. Criteria: Invitae Variant Classification Sherloc (09022015). Collection method: clinical testing. Allele origin: germline.
Comment: This sequence change replaces isoleucine, which is neutral and non-polar, with threonine, which is neutral and polar, at codon 1140 of the COL27A1 protein (p.Ile1140Thr). This variant is present in population databases (rs201515085, gnomAD 0.003%). This variant has not been reported in the literature in individuals affected with COL27A1-related conditions. ClinVar contains an entry for this variant (Variation ID: 2200207). Invitae Evidence Modeling of protein sequence and biophysical properties (such as structural, functional, and spatial information, amino acid conservation, physicochemical variation, residue mobility, and thermodynamic stability) indicates that this missense variant is not expected to disrupt COL27A1 protein function with a negative predictive value of 80%. In summary, the available evidence is currently insufficient to determine the role of this variant in disease. Therefore, it has been classified as a Variant of Uncertain Significance.